The following is an entry in ClinVar:

ClinVar aggregate classification (germline): Pathogenic. Review status: criteria provided, multiple submitters, no conflicts (2 of 4 stars). 14 submissions from 14 submitters: Pathogenic (12). 2 of the submissions do not count toward it. Last evaluated 2026-09-17.

Conditions:
Metachromatic leukodystrophy (MLD). Also called: METACHROMATIC LEUKOENCEPHALOPATHY; Arylsulfatase A Deficiency; ARSA DEFICIENCY; CEREBROSIDE SULFATASE DEFICIENCY; SULFATIDE LIPIDOSIS; Cerebral sclerosis diffuse metachromatic form. Identifiers: Orphanet 512, MedGen C0023522, MONDO:0018868, OMIM 250100.
METACHROMATIC LEUKODYSTROPHY, SEVERE. Identifiers: MedGen C4017094.

Allele frequency attached by ClinVar (database versions not stated): gnomAD exomes below 0.00001; ExAC 0.00001.

Submissions (15):

Laboratory of Experimental Gene Therapy of Hereditary Metabolic Diseases, Research Centre for Medical Genetics
Classification: Pathogenic for Metachromatic leukodystrophy. Last evaluated: 2026-09-17. Review status: criteria provided, single submitter. Criteria: ARSA MLD Assertion Criteria V2 2026 09 18. Collection method: clinical testing. Allele origin: germline. Inheritance: Autosomal recessive inheritance. Affected: yes. Observed: 1 variant allele, 1 compound heterozygote.
Comment: The previously reported Pathogenic classification was reviewed and retained for the accompanying study. External ClinVar record reviewed: VCV000003081.41. Observations from the present referral series were not used to establish pathogenicity.

Labcorp Genetics (formerly Invitae), Labcorp
Classification: Pathogenic for Metachromatic leukodystrophy. Last evaluated: 2025-12-23. Review status: criteria provided, single submitter. Criteria: Invitae Variant Classification Sherloc (09022015). Collection method: clinical testing. Allele origin: germline.
Comment: This sequence change replaces arginine, which is basic and polar, with tryptophan, which is neutral and slightly polar, at codon 372 of the ARSA protein (p.Arg372Trp). This variant is present in population databases (rs74315476, gnomAD 0.006%). This missense change has been observed in individual(s) with metachromatic leukodystrophy (PMID: 7825603, 16678723, 18786133). In at least one individual the data is consistent with being in trans (on the opposite chromosome) from a pathogenic variant. This variant is also known as 1108C>T, Arg370Trp. ClinVar contains an entry for this variant (Variation ID: 3081). Invitae Evidence Modeling of protein sequence and biophysical properties (such as structural, functional, and spatial information, amino acid conservation, physicochemical variation, residue mobility, and thermodynamic stability) indicates that this missense variant is expected to disrupt ARSA protein function with a positive predictive value of 95%. Experimental studies have shown that this missense change affects ARSA function (PMID: 7825603, 12086582). Algorithms developed to predict the effect of sequence changes on RNA splicing suggest that this variant may disrupt the consensus splice site. For these reasons, this variant has been classified as Pathogenic.

Natera, Inc.
Classification: Pathogenic for Metachromatic leukodystrophy. Last evaluated: 2025-06-11. Review status: criteria provided, single submitter. Criteria: Natera Variant Classification Schema (03/2026). Collection method: clinical testing. Allele origin: germline.
Comment: The c.1114C>T variant in ARSA is a missense variant predicted to cause substitution of arginine to tryptophan at amino acid 372. This variant is rare in the general population with a frequency below the threshold expected for the associated phenotype(s). This variant has been observed in one or more individuals affected with the associated recessive disease, as either homozygous or compound heterozygous with a second variant (PMID: 33385934, 18786133, 32709422). Given the available evidence, this variant is classified as Pathogenic.

CeGaT Center for Human Genetics Tuebingen
Classification: Pathogenic. Last evaluated: 2024-11-01. Review status: criteria provided, single submitter. Criteria: CeGaT Center For Human Genetics Tuebingen Variant Classification Criteria Version 2. Collection method: clinical testing. Allele origin: germline. Affected: yes. Observed: 1 variant allele.
Comment: ARSA: PM3:Strong, PM2, PM5, PS3:Moderate

Fulgent Genetics
Classification: Pathogenic for Metachromatic leukodystrophy. Last evaluated: 2024-02-26. Review status: criteria provided, single submitter. Criteria: ACMG Guidelines, 2015. Collection method: clinical testing. Allele origin: germline.

Women's Health and Genetics/Laboratory Corporation of America, LabCorp
Classification: Pathogenic for Metachromatic leukodystrophy. Last evaluated: 2022-06-07. Review status: criteria provided, single submitter. Criteria: LabCorp Variant Classification Summary - May 2015. Collection method: clinical testing. Allele origin: germline.
Comment: Variant summary: ARSA c.1114C>T (p.Arg372Trp) results in a non-conservative amino acid change in the encoded protein sequence. Four of four in-silico tools predict a damaging effect of the variant on protein function. The variant allele was found at a frequency of 4e-06 in 250080 control chromosomes. c.1114C>T has been reported in the literature in multiple individuals affected with Metachromatic Leukodystrophy (Biffi_2008, Heinisch_1995, Fumagalli_2021). These data indicate that the variant is very likely to be associated with disease. At least one publication reports experimental evidence evaluating an impact on protein function. The most pronounced variant effect results in <10% of normal activity. Six clinical diagnostic laboratories have submitted clinical-significance assessments for this variant to ClinVar after 2014 without evidence for independent evaluation. All laboratories classified the variant as pathogenic/likely pathogenic. Based on the evidence outlined above, the variant was classified as pathogenic.

Centre for Inherited Metabolic Diseases, Karolinska University Hospital
Classification: Pathogenic for Metachromatic leukodystrophy. Last evaluated: 2021-03-25. Review status: criteria provided, single submitter. Criteria: ACMG Guidelines, 2015. Collection method: clinical testing. Allele origin: germline. Inheritance: Autosomal recessive inheritance. Affected: yes. Observed: 1 homozygote.

Revvity Omics, Revvity
Classification: Pathogenic for Metachromatic leukodystrophy. Last evaluated: 2020-12-04. Review status: criteria provided, single submitter. Criteria: ACMG Guidelines, 2015. Collection method: clinical testing. Allele origin: germline.

Genetics and Genomic Medicine Centre, NeuroGen Healthcare, NeuroGen Healthcare
Classification: Pathogenic for Metachromatic leukodystrophy. Last evaluated: 2020-01-11. Review status: criteria provided, single submitter. Criteria: Submitter's publication. Collection method: clinical testing. Allele origin: unknown. Affected: no.

Illumina Laboratory Services, Illumina
Classification: Pathogenic for Metachromatic leukodystrophy. Last evaluated: 2017-09-01. Review status: criteria provided, single submitter. Criteria: ICSL Variant Classification Criteria 09 May 2019. Collection method: clinical testing. Allele origin: germline.
Comment: The ARSA c.1114C>T (p.Arg372Trp) missense variant has been reported in at least four studies and is found in four children with arylsulfatase A deficiency, or metachromatic leukodystrophy, including in three individuals in a homozygous state and in one individual in a compound heterozygous state (Heinisch et al. 1995; Bertelli et al. 2006; Grossi et al. 2008; Biffi et al. 2008). One of the homozygous individuals carried the variant on a complex allele with a second missense variant in cis (Grossi et al. 2008). The p.Arg372Trp variant was absent from 100 control alleles and is reported at a frequency of 0.000116 in the East Asian population of the Exome Aggregation Consortium. Expression analysis in COS-7 and BHK cells found the p.Arg372Trp variant to be associated with significantly reduced ARSA activity compared to wild type (Heinisch et al. 1995; Bertelli et al. 2006; Grossi et al. 2008; Biffi et al. 2008). In addition, expression analysis of the complex allele showed further reduction in activity in comparison to the p.Arg372Trp or the second missense variant individually (Grossi et al. 2008). Based on the collective evidence, the p.Arg372Trp variant is classified as pathogenic for arylsulfatase A deficiency. This variant was observed by ICSL as part of a predisposition screen in an ostensibly healthy population.

Eurofins Ntd Llc (ga)
Classification: Pathogenic. Last evaluated: 2013-06-03. Review status: criteria provided, single submitter. Criteria: EGL Classification Definitions 2015. Collection method: clinical testing. Allele origin: germline. Observed: 5 variant alleles, 5 heterozygotes.

Juno Genomics, Hangzhou Juno Genomics, Inc
Classification: Pathogenic for Metachromatic leukodystrophy. Review status: criteria provided, single submitter. Criteria: ACMG Guidelines, 2015. Collection method: clinical testing. Allele origin: germline.
Comment: Absent from controls (or at extremely low frequency if recessive) in Genome Aggregation Database.;Novel missense change at an amino acid residue where a different missense change determined to be pathogenic has been seen before.;For recessive disorders, detected in trans with a pathogenic variant.;Patient's phenotype or family history is highly specific for a disease with a single genetic etiology.;Well-established in vitro or in vivo functional studies supportive of a damaging effect on the gene or gene product.

OMIM
Classification: Pathogenic for METACHROMATIC LEUKODYSTROPHY, SEVERE. Last evaluated: 2018-11-07. Review status: no assertion criteria provided. Collection method: literature only. Allele origin: germline. Not counted in ClinVar's aggregate classification.

Counsyl
Classification: Likely pathogenic for Metachromatic leukodystrophy. Last evaluated: 2016-04-12. Review status: no assertion criteria provided. Collection method: clinical testing. Allele origin: unknown. Not counted in ClinVar's aggregate classification.

Gelb Laboratory, University of Washington
No classification provided (evidence only). Condition: Metachromatic leukodystrophy. Review status: no classification provided. Collection method: in vitro. Allele origin: not applicable. Functional consequence: loss of function. Not counted in ClinVar's aggregate classification.

Literature cited by the submitters: PubMed 7825603 (cited by 4 submitters); PubMed 16678723 (cited by 3 submitters); PubMed 18786133 (cited by 5 submitters); PubMed 12086582 (cited by Labcorp Genetics (formerly Invitae), Labcorp and Counsyl); PubMed 33385934 (cited by Natera, Inc.); PubMed 32709422 (cited by Natera, Inc.); PubMed 33855715 (cited by Women's Health and Genetics/Laboratory Corporation of America, LabCorp); PubMed 18693274 (cited by Illumina Laboratory Services, Illumina and Counsyl); PubMed 1671769 (cited by OMIM).

NM_000487.6(ARSA):c.1114C>T (p.Arg372Trp)

Gene: ARSA (arylsulfatase A; minus strand). Cytogenetic location: 22q13.33.
Variant type: single nucleotide variant.
Coding change: c.1114C>T on transcript NM_000487.6 (MANE Select); coding-DNA position 1114, C replaced by T.
Protein change: p.Arg372Trp; replaces arginine 372 with tryptophan.
Molecular consequence: missense variant.
Genome position (GRCh38, 1-based): chr22:50,625,675, G>A on the plus strand (C>T on the coding strand, the complement: ARSA is on the minus strand). VCF-style: chr22-50625675-G-A. GRCh37 (hg19) VCF-style: chr22-51064103-G-A.
Other names: R370W; NP_000478.3:p.(Arg372Trp); c.1114C>T, p.Arg372Trp (NM_001085425.3, NM_001085426.3, NM_001085427.3); c.856C>T, p.Arg286Trp (NM_001085428.3, NM_001362782.2); short protein forms R372W, R286W.
Identifiers: ClinVar variation 3081 (VCV000003081.45), dbSNP rs74315476, ClinGen allele CA115991.